The following is an entry in ClinVar:

NM_005052.3(RAC3):c.187G>A (p.Asp63Asn)

Gene: RAC3 (Rac family small GTPase 3; plus strand). Cytogenetic location: 17q25.3.
Variant type: single nucleotide variant.
Coding change: c.187G>A on transcript NM_005052.3 (MANE Select); coding-DNA position 187, G replaced by A.
Protein change: p.Asp63Asn; replaces aspartic acid 63 with asparagine.
Molecular consequence: missense variant.
Genome position (GRCh38, 1-based): chr17:82,032,790, G>A. VCF-style: chr17-82032790-G-A. GRCh37 (hg19) VCF-style: chr17-79990666-G-A.
Other names: c.187G>A, p.Asp63Asn (NM_001316307.2); short protein forms D63N.
Identifiers: ClinVar variation 871529 (VCV000871529.42), dbSNP rs2043443828, ClinGen allele CA401552969.

ClinVar aggregate classification (germline): Pathogenic/Likely pathogenic. Review status: criteria provided, multiple submitters, no conflicts (2 of 4 stars). 3 submissions from 3 submitters: Pathogenic (1); Likely pathogenic (1). 1 of the submissions does not count toward it. Last evaluated 2025-12-01.

Conditions:
Neurodevelopmental disorder with structural brain anomalies and dysmorphic facies (NEDBAF). Identifiers: Orphanet 659609, MedGen C5231416, MONDO:0032820, OMIM 618577.

Submissions (3):

3billion
Classification: Pathogenic for Neurodevelopmental disorder with structural brain anomalies and dysmorphic facies. Last evaluated: 2025-12-01. Review status: criteria provided, single submitter. Criteria: ACMG Guidelines, 2015. Collection method: clinical testing. Allele origin: germline. Affected: yes.
Comment: The variant is not observed in the gnomAD v4.1.0 dataset. Predicted Consequence/Location: Missense variant. Missense changes are a common disease-causing mechanism. Functional studies provide moderate evidence of the variant having a damaging effect on the gene or gene product (PMID: 35851598). In silico tool predictions suggest damaging effect of the variant on gene or gene product [REVEL: 0.60 (>=0.6, sensitivity 0.68 and specificity 0.92); 3Cnet: 0.79 (> 0.75, sensitivity 0.96 and precision 0.92)]. The same nucleotide change resulting in the same amino acid change has been previously reported to be associated with RAC3-related disorder (ClinVar ID: VCV000871529 /PMID: 35851598). The variant has been previously reported as de novo in a similarly affected individual (PMID: 35851598). Therefore, this variant is classified as Pathogenic according to the recommendation of ACMG/AMP guideline.

CeGaT Center for Human Genetics Tuebingen
Classification: Likely pathogenic. Last evaluated: 2020-02-01. Review status: criteria provided, single submitter. Criteria: CeGaT Center For Human Genetics Tuebingen Variant Classification Criteria Version 2. Collection method: clinical testing. Allele origin: germline. Affected: yes. Observed: 3 variant alleles.

OMIM
Classification: Pathogenic for NEURODEVELOPMENTAL DISORDER WITH STRUCTURAL BRAIN ANOMALIES AND DYSMORPHIC FACIES. Last evaluated: 2022-11-08. Review status: no assertion criteria provided. Collection method: literature only. Allele origin: germline. Not counted in ClinVar's aggregate classification.

Literature cited by the submitters: PubMed 35851598 (cited by 3billion and OMIM).